The following is an entry in ClinVar:

ClinVar aggregate classification (germline): Uncertain significance. Review status: criteria provided, multiple submitters, no conflicts (2 of 4 stars). 2 submissions from 2 submitters: Uncertain significance (2). Last evaluated 2025-10-17.

Conditions:
Inborn genetic diseases. Identifiers: MedGen C0950123, MeSH D030342.
Deafness-lymphedema-leukemia syndrome. Also called: Lymphedema, primary, with myelodysplasia; Emberger syndrome. Identifiers: Orphanet 3226, MedGen C3279664, MONDO:0013540, OMIM 614038.
Monocytopenia with susceptibility to infections. Also called: MONOCYTOPENIA AND MYCOBACTERIAL INFECTION SYNDROME; MONOCYTOPENIA WITH SUSCEPTIBILITY TO MYCOBACTERIAL, FUNGAL, AND PAPILLOMAVIRUS INFECTIONS AND MYELODYSPLASIA; COMBINED IMMUNODEFICIENCY WITH SUSCEPTIBILITY TO MYCOBACTERIAL, VIRAL, AND FUNGAL INFECTIONS; Dendritic cell, monocyte, B lymphocyte, and natural killer lymphocyte deficiency; IMMUNODEFICIENCY 21; GATA2 DEFICIENCY. Identifiers: Orphanet 228423, MedGen C3280030, MONDO:0013607, OMIM 614172.

Submissions (2):

Ambry Genetics
Classification: Uncertain significance for Inborn genetic diseases. Last evaluated: 2025-10-17. Review status: criteria provided, single submitter. Criteria: Ambry Variant Classification Scheme 2023. Collection method: clinical testing. Allele origin: germline.
Comment: The p.P439L variant (also known as c.1316C>T), located in coding exon 5 of the GATA2 gene, results from a C to T substitution at nucleotide position 1316. The proline at codon 439 is replaced by leucine, an amino acid with similar properties. This amino acid position is conserved. In addition, the in silico prediction for this alteration is inconclusive. Based on the available evidence, the clinical significance of this variant remains unclear.

Labcorp Genetics (formerly Invitae), Labcorp
Classification: Uncertain significance for Monocytopenia with susceptibility to infections; Deafness-lymphedema-leukemia syndrome. Last evaluated: 2024-09-10. Review status: criteria provided, single submitter. Criteria: Invitae Variant Classification Sherloc (09022015). Collection method: clinical testing. Allele origin: germline.
Comment: This sequence change replaces proline, which is neutral and non-polar, with leucine, which is neutral and non-polar, at codon 439 of the GATA2 protein (p.Pro439Leu). This variant is present in population databases (rs762576353, gnomAD 0.0009%). This variant has not been reported in the literature in individuals affected with GATA2-related conditions. Invitae Evidence Modeling of protein sequence and biophysical properties (such as structural, functional, and spatial information, amino acid conservation, physicochemical variation, residue mobility, and thermodynamic stability) has been performed for this missense variant. However, the output from this modeling did not meet the statistical confidence thresholds required to predict the impact of this variant on GATA2 protein function. In summary, the available evidence is currently insufficient to determine the role of this variant in disease. Therefore, it has been classified as a Variant of Uncertain Significance.

NM_032638.5(GATA2):c.1316C>T (p.Pro439Leu)

Gene: GATA2 (GATA binding protein 2; minus strand). Cytogenetic location: 3q21.3.
Variant type: single nucleotide variant.
Coding change: c.1316C>T on transcript NM_032638.5 (MANE Select); coding-DNA position 1316, C replaced by T.
Protein change: p.Pro439Leu; replaces proline 439 with leucine.
Molecular consequence: missense variant.
Genome position (GRCh38, 1-based): chr3:128,481,146, G>A on the plus strand (C>T on the coding strand, the complement: GATA2 is on the minus strand). VCF-style: chr3-128481146-G-A. GRCh37 (hg19) VCF-style: chr3-128199989-G-A.
Other names: c.1316C>T, p.Pro439Leu (NM_001145661.2); c.1274C>T, p.Pro425Leu (NM_001145662.1); short protein forms P425L, P439L.
Identifiers: ClinVar variation 3750027 (VCV003750027.3).
Genomic context (GRCh38, chr3:128,481,146, plus strand): 5'-ATGGGCGTCGGAGTGGGCAGGATGTGTCCGGAGTGGCTGAAGGGCGGGAGGTGGCCCACA[G>A]GTGCCATGTGTCCAGCCAGGGCAGCTGCACTGAAGGGGGATGACTTCTCCTGCATGCACT-3'
Protein context (NP_116027.2, residues 429-449): SAAALAGHMA[Pro439Leu]VGHLPPFSHS